The following is an entry in ClinVar:

NC_000021.8:g.(?_35818987)_(35884509_?)dup

Gene: KCNE1 (potassium voltage-gated channel subfamily E regulatory subunit 1; minus strand). Cytogenetic location: 21q22.12.
Variant type: Duplication.
Identifiers: ClinVar variation 4526021 (VCV004526021.1).

ClinVar aggregate classification (germline): Uncertain significance (1 of 4 stars; one submission).

Submission:

Women's Health and Genetics/Laboratory Corporation of America, LabCorp
Classification: Uncertain significance. Last evaluated: 2025-07-09. Review status: criteria provided, single submitter. Criteria: LabCorp Variant Classification Summary - May 2015. Collection method: clinical testing. Allele origin: germline.
Comment: Variant summary: The variant involves the duplication of exons 1-4 in the KCNE1 gene. A presumed nomenclature of c.(?_-561)_(*2556_?)dup has been designated for the purposes of this classification. This duplication includes the entire coding sequence of the gene. As exact breakpoints are unknown, it may extend beyond the annotated region of the gene, to include other flanking genes. The variant was absent in 21694 control chromosomes. The available data on variant occurrences in the general population are insufficient to allow any conclusion about variant significance. To our knowledge, no occurrence of c.(?_-561)_(*2556_?)dup in individuals affected with Jervell And Lange-Nielsen Syndrome and no experimental evidence demonstrating its impact on protein function have been reported. No submitters have cited clinical-significance assessments for this variant to ClinVar. Based on the evidence outlined above, the variant was classified as uncertain significance.